The following is an entry in ClinVar:

ClinVar aggregate classification (germline): Uncertain significance. Review status: criteria provided, multiple submitters, no conflicts (2 of 4 stars). 3 submissions from 3 submitters: Uncertain significance (3). Last evaluated 2025-08-11.

Conditions:
Bethlem myopathy 1A. Also called: Bethlem myopathy 1; MYOPATHY, BENIGN CONGENITAL, WITH CONTRACTURES; Bethlem Muscular Dystrophy. Identifiers: Orphanet 610, MedGen CN029274, MONDO:0024530, OMIM 158810.
COL6A2-related disorder.

Allele frequency attached by ClinVar (database versions not stated): ExAC 0.00002; gnomAD exomes 0.00002; gnomAD 0.00003 and 0.00004; TOPMed 0.00003.
gnomAD v4.1: 32 of 1,611,636 alleles (0.002%); highest among the groups gnomAD compares: East Asian, 0.0045%; no homozygotes.

Submissions (3):

Labcorp Genetics (formerly Invitae), Labcorp
Classification: Uncertain significance for Bethlem myopathy 1A. Last evaluated: 2025-08-11. Review status: criteria provided, single submitter. Criteria: Invitae Variant Classification Sherloc (09022015). Collection method: clinical testing. Allele origin: germline.
Comment: This sequence change replaces glycine, which is neutral and non-polar, with arginine, which is basic and polar, at codon 418 of the COL6A2 protein (p.Gly418Arg). This variant is present in population databases (rs768681228, gnomAD 0.02%). This missense change has been observed in individual(s) with clinical features of COL6A2-related conditions (PMID: 32528171). ClinVar contains an entry for this variant (Variation ID: 933420). Invitae Evidence Modeling of protein sequence and biophysical properties (such as structural, functional, and spatial information, amino acid conservation, physicochemical variation, residue mobility, and thermodynamic stability) indicates that this missense variant is expected to disrupt COL6A2 protein function with a positive predictive value of 80%. This variant disrupts the triple helix domain of COL6A2. Glycine residues within the Gly-Xaa-Yaa repeats of the triple helix domain are required for the structure and stability of fibrillar collagens (PMID: 7695699, 8218237, 19344236). In COL6A2, missense variants at these glycine residues are significantly enriched in individuals with autosomal dominant disease (PMID: 15689448, 24038877) compared to the general population (ExAC). In summary, the available evidence is currently insufficient to determine the role of this variant in disease. Therefore, it has been classified as a Variant of Uncertain Significance.

PreventionGenetics, part of Exact Sciences
Classification: Uncertain significance for COL6A2-related condition. Last evaluated: 2025-05-08. Review status: criteria provided, single submitter. Criteria: ACMG Guidelines, 2015. Collection method: clinical testing. Allele origin: germline.
Comment: The COL6A2 c.1252G>A variant is predicted to result in the amino acid substitution p.Gly418Arg. This variant has been observed in a cohort of individuals affected by unexplained limb-girdle weakness (Supplementary Table S4, Töpf et al. 2020. PubMed ID: 32528171). In addition, this variant affects a glycine (Gly) residue of the conserved triple helical domain, where substitutions of the glycine are usually pathogenic for collagen VI myopathies (Butterfield et al. 2013. PubMed ID: 24038877; residues 257-590). However, this variant is reported in 0.015% of alleles in individuals of East Asian descent in gnomAD, a minor allele frequency (MAF) that is considered too frequent for a variant associated with autosomal dominant mode of inheritance. At this time, the clinical significance of this variant is uncertain due to the absence of conclusive functional and genetic evidence.

GeneDx
Classification: Uncertain significance. Last evaluated: 2020-06-23. Review status: criteria provided, single submitter. Criteria: GeneDx Variant Classification Process June 2021. Collection method: clinical testing. Allele origin: germline. Affected: yes.
Comment: Has not been previously published as pathogenic or benign to our knowledge; Occurs within a Gly in the Gly-X-Y motif in the triple helical (TH) domain of collagen VI, a region that is well-conserved across species; In silico analysis supports that this missense variant has a deleterious effect on protein structure/function; This variant is associated with the following publications: (PMID: 32528171)

Literature cited by the submitters: PubMed 32528171 (cited by Labcorp Genetics (formerly Invitae), Labcorp); PubMed 7695699 (cited by Labcorp Genetics (formerly Invitae), Labcorp); PubMed 8218237 (cited by Labcorp Genetics (formerly Invitae), Labcorp); PubMed 19344236 (cited by Labcorp Genetics (formerly Invitae), Labcorp); PubMed 15689448 (cited by Labcorp Genetics (formerly Invitae), Labcorp); PubMed 24038877 (cited by Labcorp Genetics (formerly Invitae), Labcorp).

NM_001849.4(COL6A2):c.1252G>A (p.Gly418Arg)

Gene: COL6A2 (collagen type VI alpha 2 chain; plus strand). Cytogenetic location: 21q22.3.
Variant type: single nucleotide variant.
Coding change: c.1252G>A on transcript NM_001849.4 (MANE Select); coding-DNA position 1252, G replaced by A.
Protein change: p.Gly418Arg; replaces glycine 418 with arginine.
Molecular consequence: missense variant.
Genome position (GRCh38, 1-based): chr21:46,119,102, G>A. VCF-style: chr21-46119102-G-A. GRCh37 (hg19) VCF-style: chr21-47539016-G-A.
Other names: c.1252G>A, p.Gly418Arg (NM_058174.3, NM_058175.3); short protein forms G418R.
Identifiers: ClinVar variation 933420 (VCV000933420.12), dbSNP rs768681228, ClinGen allele CA10071784.